The following is an entry in ClinVar:

ClinVar aggregate classification (germline): Uncertain significance (1 of 4 stars; one submission).

Conditions:
Cardiovascular phenotype. Identifiers: MedGen CN230736.

Allele frequency attached by ClinVar (database versions not stated): gnomAD exomes below 0.00001; gnomAD 0.00001; TOPMed 0.00001.

Submission:

Ambry Genetics
Classification: Uncertain significance for Cardiovascular phenotype. Last evaluated: 2019-10-10. Review status: criteria provided, single submitter. Criteria: Ambry Variant Classification Scheme 2023. Collection method: clinical testing. Allele origin: germline.
Comment: The p.N20902S variant (also known as c.62705A>G), located in coding exon 162 of the TTN gene, results from an A to G substitution at nucleotide position 62705. The asparagine at codon 20902 is replaced by serine, an amino acid with highly similar properties. This amino acid position is highly conserved in available vertebrate species. In addition, this alteration is predicted to be tolerated by in silico analysis. Since supporting evidence is limited at this time, the clinical significance of this alteration remains unclear.

NM_001267550.2(TTN):c.89900A>G (p.Asn29967Ser)

Genes: TTN (titin; minus strand), TTN-AS1 (TTN antisense RNA 1; plus strand). Cytogenetic location: 2q31.2.
Variant type: single nucleotide variant.
Coding change: c.89900A>G on transcript NM_001267550.2 (MANE Select); coding-DNA position 89900, A replaced by G.
Protein change: p.Asn29967Ser; replaces asparagine 29967 with serine.
Molecular consequence: missense variant.
Genome position (GRCh38, 1-based): chr2:178,553,000, T>C on the plus strand (A>G on the coding strand, the complement: TTN is on the minus strand). VCF-style: chr2-178553000-T-C. GRCh37 (hg19) VCF-style: chr2-179417727-T-C.
Other names: c.84977A>G, p.Asn28326Ser (NM_001256850.1); c.62705A>G, p.Asn20902Ser (NM_003319.4); c.82196A>G, p.Asn27399Ser (NM_133378.4); c.63080A>G, p.Asn21027Ser (NM_133432.3); c.63281A>G, p.Asn21094Ser (NM_133437.4); short protein forms N20902S, N21027S, N27399S, N29967S, N21094S, N28326S.
Identifiers: ClinVar variation 1752547 (VCV001752547.2), dbSNP rs1419503534, ClinGen allele CA349514981.
Genomic context (GRCh38, chr2:178,553,000, plus strand): 5'-CATTTGTGTGACACGACAGACCATGTTCTCTTGGTGGCATCTCTCTTTTCAATGACATAA[T>C]TAATTATTGGAGATCCTCCATCAATGAGAGGAGGATCCCAGAGCAAAGTGACTGTGCCTC-3'
Protein context (NP_001254479.2, residues 29957-29977): PLIDGGSPII[Asn29967Ser]YVIEKRDATK